The following is an entry in ClinVar:

ClinVar aggregate classification (germline): Uncertain significance (1 of 4 stars; one submission).

Conditions:
Familial adenomatous polyposis 1 (FAP1). Also called: FAMILIAL ADENOMATOUS POLYPOSIS 1, ATTENUATED; POLYPOSIS, ADENOMATOUS INTESTINAL. Identifiers: MedGen C2713442, MONDO:0021056, OMIM 175100. Disease mechanism: loss of function.

Submission:

Labcorp Genetics (formerly Invitae), Labcorp
Classification: Uncertain significance for Familial adenomatous polyposis 1. Last evaluated: 2023-05-04. Review status: criteria provided, single submitter. Criteria: Invitae Variant Classification Sherloc (09022015). Collection method: clinical testing. Allele origin: germline.
Comment: In summary, the available evidence is currently insufficient to determine the role of this variant in disease. Therefore, it has been classified as a Variant of Uncertain Significance. Experimental studies and prediction algorithms are not available or were not evaluated, and the functional significance of this variant is currently unknown. ClinVar contains an entry for this variant (Variation ID: 537618). This variant has not been reported in the literature in individuals affected with APC-related conditions. This variant is not present in population databases (gnomAD no frequency). This variant occurs in a non-coding region of the APC gene. It does not change the encoded amino acid sequence of the APC protein.

NM_001127511.3(APC):c.103C>T (p.Arg35Trp)

Gene: APC (APC regulator of Wnt signaling pathway; plus strand). Cytogenetic location: 5q22.2.
Variant type: single nucleotide variant.
Coding change: c.103C>T on transcript NM_001127511.3; coding-DNA position 103, C replaced by T.
Protein change: p.Arg35Trp; replaces arginine 35 with tryptophan.
Molecular consequence: missense variant. On other transcripts: 5 prime UTR variant (8), non-coding transcript variant (1), intron variant (5).
Genome position (GRCh38, 1-based): chr5:112,707,820, C>T. VCF-style: chr5-112707820-C-T. GRCh37 (hg19) VCF-style: chr5-112043517-C-T.
Other names: c.-81C>T (NM_001354895.2, NM_001407447.1, NM_001407452.1 and 3 more transcripts); c.103C>T, p.Arg35Trp (NM_001354897.2, NM_001354902.2, NM_001407446.1); c.-1116C>T (NM_001407470.1, NM_001407472.1); c.-19+171C>T (NM_001407448.1, NM_001407450.1, NM_001407457.1 and 1 more transcripts); c.-43+171C>T (NM_001407453.1); short protein forms R35W.
Identifiers: ClinVar variation 537618 (VCV000537618.7), dbSNP rs1554060293, ClinGen allele CA360611991.